The following is an entry in ClinVar:

NM_000489.6(ATRX):c.4865C>T (p.Ala1622Val)

Gene: ATRX (ATRX chromatin remodeler; minus strand). Cytogenetic location: Xq21.1.
Variant type: single nucleotide variant.
Coding change: c.4865C>T on transcript NM_000489.6 (MANE Select); coding-DNA position 4865, C replaced by T.
Protein change: p.Ala1622Val; replaces alanine 1622 with valine.
Molecular consequence: missense variant.
Genome position (GRCh38, 1-based): chrX:77,633,657, G>A on the plus strand (C>T on the coding strand, the complement: ATRX is on the minus strand). VCF-style: chrX-77633657-G-A. GRCh37 (hg19) VCF-style: chrX-76889145-G-A.
Other names: c.4751C>T, p.Ala1584Val (NM_138270.5); short protein forms A1622V, A1584V.
Identifiers: ClinVar variation 431119 (VCV000431119.7), dbSNP rs1135401793, ClinGen allele CA413704566.

ClinVar aggregate classification (germline): Conflicting classifications of pathogenicity. Review status: criteria provided, conflicting classifications (1 of 4 stars). 4 submissions from 4 submitters: Pathogenic (2); Uncertain significance (2). Last evaluated 2025-01-01.

Conditions:
Intellectual disability-hypotonic facies syndrome, X-linked, 1 (MRXHF1). Also called: Smith Fineman Myers syndrome 1; XLMR-HYPOTONIC FACIES SYNDROME; CHUDLEY-LOWRY SYNDROME; Chudley syndrome 1; Chudley-Lowry-Hoar syndrome; Carpenter-Waziri syndrome. Identifiers: Orphanet 73220, Orphanet 93970, Orphanet 93971, Orphanet 93972, Orphanet 93973, Orphanet 93974, Orphanet 93975, MedGen C4759781, MONDO:0010663, OMIM 309580.
Alpha thalassemia-X-linked intellectual disability syndrome (ATRX). Also called: ALPHA-THALASSEMIA/MENTAL RETARDATION SYNDROME, X-LINKED; X-linked alpha-thalassemia-mental retardation syndrome; ATR-X syndrome; Alpha thalassemia mental retardation syndrome, nondeletion type, X-linked; XLMR hypotonic face syndrome; ATR, NONDELETION TYPE. Identifiers: Orphanet 847, MedGen C1845055, MONDO:0010519, OMIM 301040.

Submissions (4):

Center of Human Genetics, Hôpital Erasme
Classification: Pathogenic for Intellectual disability-hypotonic facies syndrome, X-linked, 1. Last evaluated: 2025-01-01. Review status: criteria provided, single submitter. Criteria: ACMG Guidelines, 2015. Collection method: clinical testing. Allele origin: inherited. Affected: yes.

Labcorp Genetics (formerly Invitae), Labcorp
Classification: Uncertain significance for Alpha thalassemia-X-linked intellectual disability syndrome. Last evaluated: 2024-04-24. Review status: criteria provided, single submitter. Criteria: Invitae Variant Classification Sherloc (09022015). Collection method: clinical testing. Allele origin: germline.
Comment: This sequence change replaces alanine, which is neutral and non-polar, with valine, which is neutral and non-polar, at codon 1622 of the ATRX protein (p.Ala1622Val). This variant is not present in population databases (gnomAD no frequency). This missense change has been observed in individual(s) with clinical features of ATRX-related conditions (PMID: 23681356, 28708303). ClinVar contains an entry for this variant (Variation ID: 431119). Advanced modeling of protein sequence and biophysical properties (such as structural, functional, and spatial information, amino acid conservation, physicochemical variation, residue mobility, and thermodynamic stability) performed at Invitae indicates that this missense variant is not expected to disrupt ATRX protein function with a negative predictive value of 95%. In summary, the available evidence is currently insufficient to determine the role of this variant in disease. Therefore, it has been classified as a Variant of Uncertain Significance.

GeneDx
Classification: Uncertain significance. Last evaluated: 2023-03-23. Review status: criteria provided, single submitter. Criteria: GeneDx Variant Classification Process June 2021. Collection method: clinical testing. Allele origin: germline. Affected: yes.
Comment: Not observed at significant frequency in large population cohorts (gnomAD); In silico analysis supports that this missense variant does not alter protein structure/function; This variant is associated with the following publications: (PMID: 18409179, 31324802, 23681356, 31872459, 28708303)

Groupe Hospitalier Pitie Salpetriere, Uf Genomique Du Developpement, Assistance Publique Hopitaux de Paris Sorbonne Université
Classification: Pathogenic for Alpha-thalassemia/mental retardation syndrome. Last evaluated: 2017-01-06. Review status: criteria provided, single submitter. Criteria: ACMG Guidelines, 2015. Collection method: clinical testing. Allele origin: maternal. Affected: yes. Observed: 2 variant alleles.
Comment: Intellectual disability

Literature cited by the submitters: PubMed 23681356 (cited by Labcorp Genetics (formerly Invitae), Labcorp and Groupe Hospitalier Pitie Salpetriere, Uf Genomique Du Developpement, Assistance Publique Hopitaux de Paris Sorbonne Université); PubMed 28708303 (cited by Labcorp Genetics (formerly Invitae), Labcorp and Groupe Hospitalier Pitie Salpetriere, Uf Genomique Du Developpement, Assistance Publique Hopitaux de Paris Sorbonne Université).